The following is an entry in ClinVar:

ClinVar aggregate classification (germline): Uncertain significance (1 of 4 stars; one submission).

Conditions:
Fanconi anemia (FA). Also called: Fanconi's anemia. Identifiers: Orphanet 84, MedGen C0015625, MeSH D005199, MONDO:0019391.

Allele frequency attached by ClinVar (database versions not stated): gnomAD exomes below 0.00001; ExAC 0.00001; TOPMed 0.00001.
gnomAD v4.1: 23 of 1,613,448 alleles (0.0014%); highest among the groups gnomAD compares: Non-Finnish European, 0.0019%; no homozygotes.

Submission:

Labcorp Genetics (formerly Invitae), Labcorp
Classification: Uncertain significance for Fanconi anemia. Last evaluated: 2023-08-28. Review status: criteria provided, single submitter. Criteria: Invitae Variant Classification Sherloc (09022015). Collection method: clinical testing. Allele origin: germline.
Comment: This variant is present in population databases (rs758168558, gnomAD 0.0009%). This sequence change replaces glutamic acid, which is acidic and polar, with lysine, which is basic and polar, at codon 345 of the FANCA protein (p.Glu345Lys). ClinVar contains an entry for this variant (Variation ID: 964853). In summary, the available evidence is currently insufficient to determine the role of this variant in disease. Therefore, it has been classified as a Variant of Uncertain Significance. Advanced modeling of protein sequence and biophysical properties (such as structural, functional, and spatial information, amino acid conservation, physicochemical variation, residue mobility, and thermodynamic stability) performed at Invitae indicates that this missense variant is not expected to disrupt FANCA protein function. This variant has not been reported in the literature in individuals affected with FANCA-related conditions.

NM_000135.4(FANCA):c.1033G>A (p.Glu345Lys)

Gene: FANCA (FA complementation group A; minus strand). Cytogenetic location: 16q24.3.
Variant type: single nucleotide variant.
Coding change: c.1033G>A on transcript NM_000135.4 (MANE Select); coding-DNA position 1033, G replaced by A.
Protein change: p.Glu345Lys; replaces glutamic acid 345 with lysine.
Molecular consequence: missense variant.
Genome position (GRCh38, 1-based): chr16:89,792,521, C>T on the plus strand (G>A on the coding strand, the complement: FANCA is on the minus strand). VCF-style: chr16-89792521-C-T. GRCh37 (hg19) VCF-style: chr16-89858929-C-T.
Other names: c.1033G>A, p.Glu345Lys (NM_001286167.3); short protein forms E345K.
Identifiers: ClinVar variation 964853 (VCV000964853.8), dbSNP rs758168558, ClinGen allele CA8252557.
Genomic context (GRCh38, chr16:89,792,521, plus strand): 5'-ATCCACTCACCCTGCGGTACAGTGAGGTGAGCAGAGGGTGTGTCCGCGCAAAGCTCCACT[C>T]TCTCTGCATCTGAACAGCATCAGATGCTGCAGGGGGAGAAACAGACAAAAACTTCAAGTC-3'
Protein context (NP_000126.2, residues 335-355): KASDAVQMQR[Glu345Lys]WSFARTHPLL